The following is an entry in ClinVar:

ClinVar aggregate classification (germline): Likely benign (1 of 4 stars; one submission).

gnomAD v4.1: 63 of 1,610,976 alleles (0.0039%); highest among the groups gnomAD compares: Non-Finnish European, 0.0053%; no homozygotes.

Submission:

CeGaT Center for Human Genetics Tuebingen
Classification: Likely benign. Last evaluated: 2026-07-01. Review status: criteria provided, single submitter. Criteria: CeGaT Center For Human Genetics Tuebingen Variant Classification Criteria Version 2. Collection method: clinical testing. Allele origin: germline. Affected: yes. Observed: 2 variant alleles.
Comment: ERLIN1: BP4, BP7

NM_006459.4(ERLIN1):c.306G>C (p.Val102=)

Gene: ERLIN1 (ER lipid raft associated 1; minus strand). Cytogenetic location: 10q24.31.
Variant type: single nucleotide variant.
Coding change: c.306G>C on transcript NM_006459.4 (MANE Select); coding-DNA position 306, G replaced by C.
Protein change: p.Val102=; no amino-acid change (valine 102 retained).
Molecular consequence: synonymous variant. On other transcripts: 5 prime UTR variant (1), non-coding transcript variant (6).
Genome position (GRCh38, 1-based): chr10:100,176,069, C>G on the plus strand (G>C on the coding strand, the complement: ERLIN1 is on the minus strand). VCF-style: chr10-100176069-C-G. GRCh37 (hg19) VCF-style: chr10-101935826-C-G.
Other names: c.306G>C, p.Val102= (NM_001100626.2, NM_001347857.2, NM_001347859.2 and 2 more transcripts); c.54G>C, p.Val18= (NM_001347856.2); c.-175G>C (NM_001347858.2).
Identifiers: ClinVar variation 4084629 (VCV004084629.8).